The following is an entry in ClinVar:

NM_001079858.3(ADGRG2):c.958C>T (p.Pro320Ser)

Gene: ADGRG2 (adhesion G protein-coupled receptor G2; minus strand). Cytogenetic location: Xp22.13.
Variant type: single nucleotide variant.
Coding change: c.958C>T on transcript NM_001079858.3 (MANE Select); coding-DNA position 958, C replaced by T.
Protein change: p.Pro320Ser; replaces proline 320 with serine.
Molecular consequence: missense variant.
Genome position (GRCh38, 1-based): chrX:19,013,827, G>A on the plus strand (C>T on the coding strand, the complement: ADGRG2 is on the minus strand). VCF-style: chrX-19013827-G-A. GRCh37 (hg19) VCF-style: chrX-19031945-G-A.
Other names: c.916C>T, p.Pro306Ser (NM_001079859.3); c.892C>T, p.Pro298Ser (NM_001079860.3); c.910C>T, p.Pro304Ser (NM_001184833.2); c.958C>T, p.Pro320Ser (NM_001184834.2); c.844C>T, p.Pro282Ser (NM_001184835.2); c.886C>T, p.Pro296Ser (NM_001184836.2); c.868C>T, p.Pro290Ser (NM_001184837.2); c.949C>T, p.Pro317Ser (NM_005756.4); short protein forms P282S, P290S, P296S, P298S, P304S, P306S, P317S, P320S.
Identifiers: ClinVar variation 2629876 (VCV002629876.1), dbSNP rs1378815990, ClinGen allele CA412380423.

ClinVar aggregate classification (germline): Uncertain significance (1 of 4 stars; one submission).

Conditions:
ADGRG2-related disorder. Also called: ADGRG2-related condition.

Allele frequency attached by ClinVar (database versions not stated): gnomAD exomes below 0.00001; gnomAD 0.00001; TOPMed 0.00001.
gnomAD v4.1: 2 of 1,203,369 alleles (0.00017%); highest among the groups gnomAD compares: East Asian, 0.0059%; no homozygotes.

Submission:

PreventionGenetics, part of Exact Sciences
Classification: Uncertain significance for ADGRG2-related condition. Last evaluated: 2023-01-19. Review status: criteria provided, single submitter. Criteria: ACMG Guidelines, 2015. Collection method: clinical testing. Allele origin: germline.
Comment: The ADGRG2 c.958C>T variant is predicted to result in the amino acid substitution p.Pro320Ser. To our knowledge, this variant has not been reported in the literature or in a large population database, indicating this variant is rare. At this time, the clinical significance of this variant is uncertain due to the absence of conclusive functional and genetic evidence.